The following is an entry in ClinVar:

ClinVar aggregate classification (germline): Uncertain significance (1 of 4 stars; one submission).

Allele frequency attached by ClinVar (database versions not stated): TOPMed below 0.00001.

Submission:

GeneDx
Classification: Uncertain significance. Last evaluated: 2023-12-09. Review status: criteria provided, single submitter. Criteria: GeneDx Variant Classification Process June 2021. Collection method: clinical testing. Allele origin: germline. Affected: yes.
Comment: Not observed at significant frequency in large population cohorts (gnomAD); In silico analysis supports that this missense variant does not alter protein structure/function; Has not been previously published as pathogenic or benign to our knowledge

NM_001958.5(EEF1A2):c.1239G>C (p.Glu413Asp)

Gene: EEF1A2 (eukaryotic translation elongation factor 1 alpha 2; minus strand). Cytogenetic location: 20q13.33.
Variant type: single nucleotide variant.
Coding change: c.1239G>C on transcript NM_001958.5 (MANE Select); coding-DNA position 1239, G replaced by C.
Protein change: p.Glu413Asp; replaces glutamic acid 413 with aspartic acid.
Molecular consequence: missense variant.
Genome position (GRCh38, 1-based): chr20:63,488,943, C>G on the plus strand (G>C on the coding strand, the complement: EEF1A2 is on the minus strand). VCF-style: chr20-63488943-C-G. GRCh37 (hg19) VCF-style: chr20-62120296-C-G.
Other names: short protein forms E413D.
Identifiers: ClinVar variation 3253023 (VCV003253023.1), dbSNP rs2082365938.
Genomic context (GRCh38, chr20:63,488,943, plus strand): 5'-TGGGGGCTGCACCTCCCCGGACCACCCCGGCTCACCGAGAGGCGGGTACTGGGAGAAGCT[C>G]TCCACACACATGGGCTTTCCCGGCACCATCTCCACGATGGCCGCGTCTCCAGACTTCAGG-3'
Protein context (NP_001949.1, residues 403-423): EMVPGKPMCV[Glu413Asp]SFSQYPPLGR